The following is an entry in ClinVar:

ClinVar aggregate classification (germline): Uncertain significance. Review status: criteria provided, multiple submitters, no conflicts (2 of 4 stars). 2 submissions from 2 submitters: Uncertain significance (2). Last evaluated 2025-08-24.

Conditions:
Inborn genetic diseases. Identifiers: MedGen C0950123, MeSH D030342.

Allele frequency attached by ClinVar (database versions not stated): gnomAD exomes below 0.00001; ExAC 0.00002; gnomAD 0.00004; TOPMed 0.00004; ESP Exome Variant Server 0.00015.
gnomAD v4.1: 12 of 1,614,042 alleles (0.00074%); highest among the groups gnomAD compares: African/African-American, 0.015%; no homozygotes.

Submissions (2):

Ambry Genetics
Classification: Uncertain significance for Inborn genetic diseases. Last evaluated: 2025-08-24. Review status: criteria provided, single submitter. Criteria: Ambry Variant Classification Scheme 2023. Collection method: clinical testing. Allele origin: germline.

Labcorp Genetics (formerly Invitae), Labcorp
Classification: Uncertain significance. Last evaluated: 2024-02-20. Review status: criteria provided, single submitter. Criteria: Invitae Variant Classification Sherloc (09022015). Collection method: clinical testing. Allele origin: germline.
Comment: This sequence change replaces leucine, which is neutral and non-polar, with proline, which is neutral and non-polar, at codon 271 of the TSPAN12 protein (p.Leu271Pro). This variant is present in population databases (rs149496066, gnomAD 0.02%). This variant has not been reported in the literature in individuals affected with TSPAN12-related conditions. An algorithm developed to predict the effect of missense changes on protein structure and function (PolyPhen-2) suggests that this variant is likely to be tolerated. In summary, the available evidence is currently insufficient to determine the role of this variant in disease. Therefore, it has been classified as a Variant of Uncertain Significance.

NM_012338.4(TSPAN12):c.812T>C (p.Leu271Pro)

Gene: TSPAN12 (tetraspanin 12; minus strand). Cytogenetic location: 7q31.31.
Variant type: single nucleotide variant.
Coding change: c.812T>C on transcript NM_012338.4 (MANE Select); coding-DNA position 812, T replaced by C.
Protein change: p.Leu271Pro; replaces leucine 271 with proline.
Molecular consequence: missense variant.
Genome position (GRCh38, 1-based): chr7:120,788,698, A>G on the plus strand (T>C on the coding strand, the complement: TSPAN12 is on the minus strand). VCF-style: chr7-120788698-A-G. GRCh37 (hg19) VCF-style: chr7-120428752-A-G.
Other names: c.812T>C (NM_012338.3); short protein forms L271P.
Identifiers: ClinVar variation 2722951 (VCV002722951.4), dbSNP rs149496066, ClinGen allele CA4453797.
Genomic context (GRCh38, chr7:120,788,698, plus strand): 5'-GATGTGTGTTCAAAGATTCTTGACAGGCTTGGTTTCAACAGTTCTACTGAGGGACATGAC[A>G]GGTGCTGAGAGTTGTCATTCTTCAAGGACATCATTTGGTCTGTCCCCGGCTCCCTTCTAT-3'
Protein context (NP_036470.1, residues 261-281): MSLKNDNSQH[Leu271Pro]SCPSVELLKP